The following is an entry in ClinVar:

NM_001130987.2(DYSF):c.3336G>A (p.Trp1112Ter)

Gene: DYSF (dysferlin; plus strand). Cytogenetic location: 2p13.2.
Variant type: single nucleotide variant.
Coding change: c.3336G>A on transcript NM_001130987.2 (MANE Select); coding-DNA position 3336, G replaced by A.
Protein change: p.Trp1112Ter; replaces tryptophan 1112 with a stop codon.
Molecular consequence: nonsense.
Genome position (GRCh38, 1-based): chr2:71,574,305, G>A. VCF-style: chr2-71574305-G-A. GRCh37 (hg19) VCF-style: chr2-71801435-G-A.
Other names: c.3285G>A, p.Trp1095Ter (NM_001130455.2, NM_001130983.2); c.3240G>A, p.Trp1080Ter (NM_001130976.2, NM_001130977.2); c.3282G>A, p.Trp1094Ter (NM_001130978.2, NM_003494.4); c.3375G>A, p.Trp1125Ter (NM_001130979.2); c.3333G>A, p.Trp1111Ter (NM_001130980.2, NM_001130981.2); c.3378G>A, p.Trp1126Ter (NM_001130982.2); c.3243G>A, p.Trp1081Ter (NM_001130984.2, NM_001130986.2); c.3336G>A, p.Trp1112Ter (NM_001130985.2); short protein forms W1094*, W1125*, W1095*, W1112*, W1126*, W1080*, W1081*, W1111*.
Identifiers: ClinVar variation 2003200 (VCV002003200.4), dbSNP rs1558513252, ClinGen allele CA347218256.

ClinVar aggregate classification (germline): Pathogenic (1 of 4 stars; one submission).

Conditions:
Neuromuscular disease caused by qualitative or quantitative defects of dysferlin. Also called: Dysferlinopathy; Qualitative or quantitative defects of dysferlin. Identifiers: Orphanet 207073, MedGen C2931687, MONDO:0016145.

Submission:

Labcorp Genetics (formerly Invitae), Labcorp
Classification: Pathogenic for Neuromuscular disease caused by qualitative or quantitative defects of dysferlin. Last evaluated: 2022-06-08. Review status: criteria provided, single submitter. Criteria: Invitae Variant Classification Sherloc (09022015). Collection method: clinical testing. Allele origin: germline.
Comment: For these reasons, this variant has been classified as Pathogenic. This variant has not been reported in the literature in individuals affected with DYSF-related conditions. This variant is not present in population databases (gnomAD no frequency). This sequence change creates a premature translational stop signal (p.Trp1094*) in the DYSF gene. It is expected to result in an absent or disrupted protein product. Loss-of-function variants in DYSF are known to be pathogenic (PMID: 17698709, 20301480).

Literature cited by the submitters: PubMed 17698709; PubMed 20301480.